The following is an entry in ClinVar:

ClinVar aggregate classification (germline): Likely benign (1 of 4 stars; one submission).

Submission:

CeGaT Center for Human Genetics Tuebingen
Classification: Likely benign. Last evaluated: 2026-05-01. Review status: criteria provided, single submitter. Criteria: CeGaT Center For Human Genetics Tuebingen Variant Classification Criteria Version 2. Collection method: clinical testing. Allele origin: germline. Affected: yes. Observed: 3 variant alleles.
Comment: BTBD17: PM2:Supporting, BP4, BP7

NM_001080466.2(BTBD17):c.1419T>C (p.Leu473=)

Gene: BTBD17 (BTB domain containing 17; minus strand). Cytogenetic location: 17q25.1.
Variant type: single nucleotide variant.
Coding change: c.1419T>C on transcript NM_001080466.2 (MANE Select); coding-DNA position 1419, T replaced by C.
Protein change: p.Leu473=; no amino-acid change (leucine 473 retained).
Molecular consequence: synonymous variant.
Genome position (GRCh38, 1-based): chr17:74,356,675, A>G on the plus strand (T>C on the coding strand, the complement: BTBD17 is on the minus strand). VCF-style: chr17-74356675-A-G. GRCh37 (hg19) VCF-style: chr17-72352814-A-G.
Identifiers: ClinVar variation 3250678 (VCV003250678.18), dbSNP rs2509857282.